The following is an entry in ClinVar:

ClinVar aggregate classification (germline): Likely benign. Review status: criteria provided, multiple submitters, no conflicts (2 of 4 stars). 2 submissions from 2 submitters: Likely benign (2). Last evaluated 2025-02-21.

Conditions:
NDRG1-related disorder. Also called: NDRG1-related condition.
Charcot-Marie-Tooth disease type 4. Also called: Charcot-Marie-Tooth disease, type IV; Charcot-Marie-Tooth, Type 4. Identifiers: Orphanet 64749, MedGen C4082197, MONDO:0018995.

Allele frequency attached by ClinVar (database versions not stated): gnomAD 0.00003 and 0.00004; TOPMed 0.00003; gnomAD exomes 0.00004 and 0.00006; ExAC 0.00007.
gnomAD v4.1: 60 of 1,608,442 alleles (0.0037%); highest among the groups gnomAD compares: Middle Eastern, 0.016%; no homozygotes.

Submissions (2):

PreventionGenetics, part of Exact Sciences
Classification: Likely benign for NDRG1-related condition. Last evaluated: 2025-02-21. Review status: criteria provided, single submitter. Criteria: ACMG Guidelines, 2015. Collection method: clinical testing. Allele origin: germline.
Comment: This variant is classified as likely benign based on ACMG/AMP sequence variant interpretation guidelines (Richards et al. 2015 PMID: 25741868, with internal and published modifications).

Labcorp Genetics (formerly Invitae), Labcorp
Classification: Likely benign for Charcot-Marie-Tooth disease type 4. Last evaluated: 2024-09-18. Review status: criteria provided, single submitter. Criteria: Invitae Variant Classification Sherloc (09022015). Collection method: clinical testing. Allele origin: germline.

NM_006096.4(NDRG1):c.698+9A>G

Gene: NDRG1 (N-myc downstream regulated 1; minus strand). Cytogenetic location: 8q24.22.
Variant type: single nucleotide variant.
Coding change: c.698+9A>G on transcript NM_006096.4 (MANE Select); 9 bases into the intron after coding-DNA position 698, A replaced by G.
Molecular consequence: intron variant.
Genome position (GRCh38, 1-based): chr8:133,250,431, T>C on the plus strand (A>G on the coding strand, the complement: NDRG1 is on the minus strand). VCF-style: chr8-133250431-T-C. GRCh37 (hg19) VCF-style: chr8-134262674-T-C.
Other names: c.500+9A>G (NM_001258432.2, NM_001374847.1); c.455+9A>G (NM_001258433.2); c.749+9A>G (NM_001374844.1); c.698+9A>G (NM_001135242.2, NM_001374845.1, NM_001374846.1).
Identifiers: ClinVar variation 698703 (VCV000698703.11), dbSNP rs754728870, ClinGen allele CA4886641.